The following is an entry in ClinVar:

NM_020366.4(RPGRIP1):c.860A>G (p.Asn287Ser)

Gene: RPGRIP1 (RPGR interacting protein 1; plus strand). Cytogenetic location: 14q11.2.
Variant type: single nucleotide variant.
Coding change: c.860A>G on transcript NM_020366.4 (MANE Select); coding-DNA position 860, A replaced by G.
Protein change: p.Asn287Ser; replaces asparagine 287 with serine.
Molecular consequence: missense variant.
Genome position (GRCh38, 1-based): chr14:21,307,790, A>G. VCF-style: chr14-21307790-A-G. GRCh37 (hg19) VCF-style: chr14-21775949-A-G.
Other names: short protein forms N287S.
Identifiers: ClinVar variation 1474611 (VCV001474611.6), dbSNP rs937927408, ClinGen allele CA257496744.
Genomic context (GRCh38, chr14:21,307,790, plus strand): 5'-GAGCTTCCATTAAAGAGAAGGTAGAGCTGATTCGACTTAAGAAGCTCTTACATGAAAGAA[A>G]TGCTTCATTGGTTATGACAAAAGCACAATTAACAGAAGTTCAAGAGGTGAGTTGCCATCA-3'
Protein context (NP_065099.3, residues 277-297): IRLKKLLHER[Asn287Ser]ASLVMTKAQL

ClinVar aggregate classification (germline): Uncertain significance (1 of 4 stars; one submission).

Conditions:
Leber congenital amaurosis 6 (LCA6). Identifiers: Orphanet 65, MedGen C1854260, MONDO:0013446, OMIM 613826.
Cone-rod dystrophy 13 (CORD13). Identifiers: Orphanet 1872, MedGen C2750720, MONDO:0011987, OMIM 608194.

Allele frequency attached by ClinVar (database versions not stated): gnomAD exomes 0.00001.
gnomAD v4.1: 10 of 1,570,324 alleles (0.00064%); highest among the groups gnomAD compares: Non-Finnish European, 0.00086%; no homozygotes.

Submission:

Labcorp Genetics (formerly Invitae), Labcorp
Classification: Uncertain significance for Leber congenital amaurosis 6; Cone-rod dystrophy 13. Last evaluated: 2022-10-05. Review status: criteria provided, single submitter. Criteria: Invitae Variant Classification Sherloc (09022015). Collection method: clinical testing. Allele origin: germline.
Comment: This variant has not been reported in the literature in individuals affected with RPGRIP1-related conditions. ClinVar contains an entry for this variant (Variation ID: 1474611). Advanced modeling of protein sequence and biophysical properties (such as structural, functional, and spatial information, amino acid conservation, physicochemical variation, residue mobility, and thermodynamic stability) performed at Invitae indicates that this missense variant is not expected to disrupt RPGRIP1 protein function. In summary, the available evidence is currently insufficient to determine the role of this variant in disease. Therefore, it has been classified as a Variant of Uncertain Significance. The frequency data for this variant in the population databases is considered unreliable, as metrics indicate poor data quality at this position in the gnomAD database. This sequence change replaces asparagine, which is neutral and polar, with serine, which is neutral and polar, at codon 287 of the RPGRIP1 protein (p.Asn287Ser).